The following is an entry in ClinVar:

NM_024411.5(PDYN):c.637C>T (p.Arg213Cys)

Genes: PDYN (prodynorphin; minus strand), PDYN-AS1 (PDYN antisense RNA 1; plus strand). Cytogenetic location: 20p13.
Variant type: single nucleotide variant.
Coding change: c.637C>T on transcript NM_024411.5 (MANE Select); coding-DNA position 637, C replaced by T.
Protein change: p.Arg213Cys; replaces arginine 213 with cysteine.
Molecular consequence: missense variant.
Genome position (GRCh38, 1-based): chr20:1,980,451, G>A on the plus strand (C>T on the coding strand, the complement: PDYN is on the minus strand). VCF-style: chr20-1980451-G-A. GRCh37 (hg19) VCF-style: chr20-1961097-G-A.
Other names: c.637C>T, p.Arg213Cys (NM_001190892.1, NM_001190898.3, NM_001190899.2 and 1 more transcripts); short protein forms R213C.
Identifiers: ClinVar variation 2042204 (VCV002042204.4), dbSNP rs150455107, ClinGen allele CA9730246.

ClinVar aggregate classification (germline): Uncertain significance (1 of 4 stars; one submission).

Allele frequency attached by ClinVar (database versions not stated): gnomAD exomes 0.00003; gnomAD 0.00001; ExAC 0.00002; ESP Exome Variant Server 0.00008; 1000 Genomes Project 30x 0.00016; TOPMed 0.00002.
gnomAD v4.1: 47 of 1,614,136 alleles (0.0029%); highest among the groups gnomAD compares: East Asian, 0.0045%; no homozygotes.

Submission:

Labcorp Genetics (formerly Invitae), Labcorp
Classification: Uncertain significance. Last evaluated: 2022-08-09. Review status: criteria provided, single submitter. Criteria: Invitae Variant Classification Sherloc (09022015). Collection method: clinical testing. Allele origin: germline.
Comment: This variant is present in population databases (rs150455107, gnomAD 0.002%). This sequence change replaces arginine, which is basic and polar, with cysteine, which is neutral and slightly polar, at codon 213 of the PDYN protein (p.Arg213Cys). This variant has not been reported in the literature in individuals affected with PDYN-related conditions. Algorithms developed to predict the effect of missense changes on protein structure and function (SIFT, PolyPhen-2, Align-GVGD) all suggest that this variant is likely to be disruptive. In summary, the available evidence is currently insufficient to determine the role of this variant in disease. Therefore, it has been classified as a Variant of Uncertain Significance.